The following is an entry in ClinVar:

NM_000051.4(ATM):c.8671+1G>T

Genes: ATM (ATM serine/threonine kinase; plus strand), C11orf65 (chromosome 11 open reading frame 65; minus strand). Cytogenetic location: 11q22.3.
Variant type: single nucleotide variant.
Coding change: c.8671+1G>T on transcript NM_000051.4 (MANE Select); the canonical splice donor site of the intron after coding-DNA position 8671, G replaced by T.
Molecular consequence: splice donor variant. On other transcripts: intron variant (2).
Genome position (GRCh38, 1-based): chr11:108,347,366, G>T. VCF-style: chr11-108347366-G-T. GRCh37 (hg19) VCF-style: chr11-108218093-G-T.
Other names: c.8671+1G>T (NM_001351834.2); c.641-38295C>A (NM_001330368.2); c.695-12074C>A (NM_001351110.2).
Identifiers: ClinVar variation 453740 (VCV000453740.12), dbSNP rs1555139694, ClinGen allele CA382521374.

ClinVar aggregate classification (germline): Likely pathogenic. Review status: criteria provided, multiple submitters, no conflicts (2 of 4 stars). 5 submissions from 5 submitters: Likely pathogenic (5). Last evaluated 2026-04-01.

Conditions:
Hereditary cancer-predisposing syndrome. Also called: Neoplastic Syndromes, Hereditary; Hereditary Cancer Syndrome; Tumor predisposition; Hereditary neoplastic syndrome. Identifiers: Orphanet 140162, MedGen C0027672, MeSH D009386, MONDO:0015356.
Familial cancer of breast. Also called: Hereditary breast cancer; BREAST CANCER, FAMILIAL; hereditary breast carcinoma. Identifiers: Orphanet 227535, MedGen C0346153, MONDO:0016419, OMIM 114480. Disease mechanism: loss of function.
Ataxia-telangiectasia syndrome (AT). Also called: LOUIS-BAR SYNDROME; Cerebello-oculocutaneous telangiectasia; Immunodeficiency with ataxia telangiectasia; Ataxia-telangiectasia, complementation group D; AT, COMPLEMENTATION GROUP C; Ataxia-telangiectasia, complementation group E. Identifiers: Orphanet 100, MedGen C0004135, MONDO:0008840, OMIM 208900.
Malignant tumor of breast. Also called: Malignant breast neoplasm; Cancer breast. Identifiers: MedGen C0006142, MONDO:0007254. Disease mechanism: loss of function.

Allele frequency attached by ClinVar (database versions not stated): gnomAD exomes below 0.00001.
gnomAD v4.1: 1 of 1,581,670 alleles (0.000063%); highest among the groups gnomAD compares: South Asian, 0.0011%; no homozygotes.

Submissions (5):

Ambry Genetics
Classification: Likely pathogenic for Hereditary cancer-predisposing syndrome. Last evaluated: 2026-04-01. Review status: criteria provided, single submitter. Criteria: Ambry Variant Classification Scheme 2023. Collection method: clinical testing. Allele origin: germline.
Comment: The c.8671+1G>T intronic variant results from a G to T substitution one nucleotide after coding exon 58 of the ATM gene. This nucleotide position is highly conserved in available vertebrate species. In silico splice site analysis predicts that this alteration will weaken the native splice donor site. RNA studies have demonstrated that this alteration results in abnormal splicing in the set of samples tested (Ambry internal data). This variant is considered to be rare based on population cohorts in the Genome Aggregation Database (gnomAD). Alterations that disrupt the canonical splice site are expected to cause aberrant splicing, resulting in an abnormal protein or a transcript that is subject to nonsense-mediated mRNA decay. As such, this alteration is classified as likely pathogenic.

Molecular Pathology, Peter Maccallum Cancer Centre
Classification: Likely pathogenic for Ataxia-telangiectasia syndrome. Last evaluated: 2024-11-28. Review status: criteria provided, single submitter. Criteria: ACMG Guidelines, 2015. Collection method: clinical testing. Allele origin: germline. Inheritance: Autosomal recessive inheritance.

Labcorp Genetics (formerly Invitae), Labcorp
Classification: Likely pathogenic for Ataxia-telangiectasia syndrome. Last evaluated: 2024-07-26. Review status: criteria provided, single submitter. Criteria: Invitae Variant Classification Sherloc (09022015). Collection method: clinical testing. Allele origin: germline.
Comment: This sequence change affects a donor splice site in intron 59 of the ATM gene. It is expected to disrupt RNA splicing. Variants that disrupt the donor or acceptor splice site typically lead to a loss of protein function (PMID: 16199547), and loss-of-function variants in ATM are known to be pathogenic (PMID: 23807571, 25614872). This variant is not present in population databases (gnomAD no frequency). This variant has not been reported in the literature in individuals affected with ATM-related conditions. ClinVar contains an entry for this variant (Variation ID: 453740). Algorithms developed to predict the effect of sequence changes on RNA splicing suggest that this variant may disrupt the consensus splice site. In summary, the currently available evidence indicates that the variant is pathogenic, but additional data are needed to prove that conclusively. Therefore, this variant has been classified as Likely Pathogenic.

Myriad Genetics, Inc.
Classification: Likely pathogenic for Familial cancer of breast. Last evaluated: 2024-02-05. Review status: criteria provided, single submitter. Criteria: Myriad Autosomal Dominant, Autosomal Recessive and X-Linked Classification Criteria (2023). Collection method: clinical testing. Allele origin: unknown.
Comment: This variant is considered likely pathogenic. This variant occurs within a consensus splice junction and is predicted to result in abnormal mRNA splicing of either an out-of-frame exon or an in-frame exon necessary for protein stability and/or normal function.

Women's Health and Genetics/Laboratory Corporation of America, LabCorp
Classification: Likely pathogenic for Malignant tumor of breast. Last evaluated: 2023-05-01. Review status: criteria provided, single submitter. Criteria: LabCorp Variant Classification Summary - May 2015. Collection method: clinical testing. Allele origin: germline.
Comment: Variant summary: ATM c.8671+1G>T is located in a canonical splice-site and is predicted to affect mRNA splicing resulting in a significantly altered protein due to either exon skipping, shortening, or inclusion of intronic material. Several computational tools predict a significant impact on normal splicing: Four predict the variant abolishes a canonical 5' splicing donor site. However, these predictions have yet to be confirmed by functional studies. The variant was absent in 249562 control chromosomes (gnomAD). To our knowledge, no occurrence of c.8671+1G>T in individuals affected with Breast Cancer and no experimental evidence demonstrating its impact on protein function have been reported. One ClinVar submitter has assessed the variant since 2014: the variant was classified as likely pathogenic. Based on the evidence outlined above, the variant was classified as likely pathogenic.

Literature cited by the submitters: PubMed 16199547 (cited by Labcorp Genetics (formerly Invitae), Labcorp); PubMed 23807571 (cited by Labcorp Genetics (formerly Invitae), Labcorp); PubMed 25614872 (cited by Labcorp Genetics (formerly Invitae), Labcorp).